The following is an entry in ClinVar:

ClinVar aggregate classification (germline): Likely benign (1 of 4 stars; one submission).

Submission:

GeneDx
Classification: Likely benign. Last evaluated: 2017-04-28. Review status: criteria provided, single submitter. Criteria: GeneDx Variant Classification (06012015). Collection method: clinical testing. Allele origin: germline. Affected: yes.
Comment: This variant is considered likely benign or benign based on one or more of the following criteria: it is a conservative change, it occurs at a poorly conserved position in the protein, it is predicted to be benign by multiple in silico algorithms, and/or has population frequency not consistent with disease.

NM_000088.4(COL1A1):c.2830-11G>A

Gene: COL1A1 (collagen type I alpha 1 chain; minus strand). Cytogenetic location: 17q21.33.
Variant type: single nucleotide variant.
Coding change: c.2830-11G>A on transcript NM_000088.4 (MANE Select); 11 bases into the intron before coding-DNA position 2830, G replaced by A.
Molecular consequence: intron variant.
Genome position (GRCh38, 1-based): chr17:50,189,286, C>T on the plus strand (G>A on the coding strand, the complement: COL1A1 is on the minus strand). VCF-style: chr17-50189286-C-T. GRCh37 (hg19) VCF-style: chr17-48266647-C-T.
Identifiers: ClinVar variation 509178 (VCV000509178.1), dbSNP rs1555572425, ClinGen allele CA658798891.